The following is an entry in ClinVar:

ClinVar aggregate classification (germline): Uncertain significance (1 of 4 stars; one submission).

Conditions:
Cardiovascular phenotype. Identifiers: MedGen CN230736.

Allele frequency attached by ClinVar (database versions not stated): gnomAD exomes 0.00001.
gnomAD v4.1: 6 of 1,550,228 alleles (0.00039%); highest among the groups gnomAD compares: Non-Finnish European, 0.00052%; no homozygotes.

Submission:

Ambry Genetics
Classification: Uncertain significance for Cardiovascular phenotype. Last evaluated: 2022-10-02. Review status: criteria provided, single submitter. Criteria: Ambry Variant Classification Scheme 2023. Collection method: clinical testing. Allele origin: germline.
Comment: The p.N2512K variant (also known as c.7536T>G), located in coding exon 2 of the ZNF469 gene, results from a T to G substitution at nucleotide position 7536. The asparagine at codon 2512 is replaced by lysine, an amino acid with similar properties. This amino acid position is conserved. In addition, this alteration is predicted to be tolerated by in silico analysis. Since supporting evidence is limited at this time, the clinical significance of this alteration remains unclear.

NM_001367624.2(ZNF469):c.7620T>G (p.Asn2540Lys)

Gene: ZNF469 (zinc finger protein 469; plus strand). Cytogenetic location: 16q24.2.
Variant type: single nucleotide variant.
Coding change: c.7620T>G on transcript NM_001367624.2 (MANE Select); coding-DNA position 7620, T replaced by G.
Protein change: p.Asn2540Lys; replaces asparagine 2540 with lysine.
Molecular consequence: missense variant.
Genome position (GRCh38, 1-based): chr16:88,435,090, T>G. VCF-style: chr16-88435090-T-G. GRCh37 (hg19) VCF-style: chr16-88501498-T-G.
Other names: NM_001127464.1:c.7536T>G; short protein forms N2540K.
Identifiers: ClinVar variation 1759405 (VCV001759405.2), dbSNP rs1279208272, ClinGen allele CA397113451.
Genomic context (GRCh38, chr16:88,435,090, plus strand): 5'-CCAAAAGTGCCAGCCGCCCAGGAAGAAAAGCCACAGGGTGTCTGGGAAGGAGAGACCAAA[T>G]CACTCACGGGGAGACCCCAGCCACGTCACCCAGCCACCGCCTGCCCAGGGCTCAAAGGAG-3'
Protein context (NP_001354553.1, residues 2530-2550): SHRVSGKERP[Asn2540Lys]HSRGDPSHVT